The following is an entry in ClinVar:

ClinVar aggregate classification (germline): Likely benign (1 of 4 stars; one submission).

Submission:

CeGaT Center for Human Genetics Tuebingen
Classification: Likely benign. Last evaluated: 2024-07-01. Review status: criteria provided, single submitter. Criteria: CeGaT Center For Human Genetics Tuebingen Variant Classification Criteria Version 2. Collection method: clinical testing. Allele origin: germline. Affected: yes. Observed: 1 variant allele.
Comment: CEL: PM2:Supporting, BP4, BP7

NM_001807.6(CEL):c.2103C>T (p.Pro701=)

Gene: CEL (carboxyl ester lipase; plus strand). Cytogenetic location: 9q34.13.
Variant type: single nucleotide variant.
Coding change: c.2103C>T on transcript NM_001807.6 (MANE Select); coding-DNA position 2103, C replaced by T.
Protein change: p.Pro701=; no amino-acid change (proline 701 retained).
Molecular consequence: synonymous variant.
Genome position (GRCh38, 1-based): chr9:133,071,605, C>T. VCF-style: chr9-133071605-C-T. GRCh37 (hg19) VCF-style: chr9-135946992-C-T.
Identifiers: ClinVar variation 3257072 (VCV003257072.17).